The following is an entry in ClinVar:

NM_022489.4(INF2):c.1888-9G>A

Gene: INF2 (inverted formin 2; plus strand). Cytogenetic location: 14q32.33.
Variant type: single nucleotide variant.
Coding change: c.1888-9G>A on transcript NM_022489.4 (MANE Select); 9 bases into the intron before coding-DNA position 1888, G replaced by A.
Molecular consequence: intron variant.
Genome position (GRCh38, 1-based): chr14:104,708,662, G>A. VCF-style: chr14-104708662-G-A. GRCh37 (hg19) VCF-style: chr14-105174999-G-A.
Other names: c.1888-9G>A (NM_001031714.4, NM_022489.3).
Identifiers: ClinVar variation 2147620 (VCV002147620.5), dbSNP rs1285090022, ClinGen allele CA616584758.

ClinVar aggregate classification (germline): Likely benign. Review status: criteria provided, single submitter (1 of 4 stars). 2 submissions from 2 submitters: Likely benign (1). 1 of the submissions does not count toward it. Last evaluated 2024-07-24.

Conditions:
Focal segmental glomerulosclerosis 5 (FSGS5). Identifiers: Orphanet 656, MedGen C2750475, MONDO:0013191, OMIM 613237.
Charcot-Marie-Tooth disease dominant intermediate E. Also called: CHARCOT-MARIE-TOOTH NEUROPATHY WITH FOCAL SEGMENTAL GLOMERULONEPHRITIS. Identifiers: Orphanet 93114, MedGen C4302667, MONDO:0013758, OMIM 614455.
INF2-related disorder. Also called: INF2-related condition.

Allele frequency attached by ClinVar (database versions not stated): gnomAD exomes below 0.00001; gnomAD 0.00001.
gnomAD v4.1: 5 of 1,612,816 alleles (0.00031%); highest among the groups gnomAD compares: African/African-American, 0.0013%; no homozygotes.

Submissions (2):

Labcorp Genetics (formerly Invitae), Labcorp
Classification: Likely benign for Charcot-Marie-Tooth disease dominant intermediate E; Focal segmental glomerulosclerosis 5. Last evaluated: 2024-07-24. Review status: criteria provided, single submitter. Criteria: Invitae Variant Classification Sherloc (09022015). Collection method: clinical testing. Allele origin: germline.

PreventionGenetics, part of Exact Sciences
Classification: Likely benign for INF2-related condition. Last evaluated: 2024-09-03. Review status: no assertion criteria provided. Collection method: clinical testing. Allele origin: germline. Not counted in ClinVar's aggregate classification.
Comment: This variant is classified as likely benign based on ACMG/AMP sequence variant interpretation guidelines (Richards et al. 2015 PMID: 25741868, with internal and published modifications).